The following is an entry in ClinVar:

NM_000535.7(PMS2):c.706-4del

Gene: PMS2 (PMS1 homolog 2, mismatch repair system component; minus strand). Cytogenetic location: 7p22.1.
Variant type: Deletion.
Coding change: c.706-4del on transcript NM_000535.7 (MANE Select); 4 bases into the intron before coding-DNA position 706, one base deleted (T; older notation c.706-4delT).
Molecular consequence: intron variant.
Genome position (GRCh38, 1-based): chr7:5,997,427, A deleted on the plus strand (T on the coding strand, the reverse complement: PMS2 is on the minus strand); the first of 17 consecutive A bases (chr7:5,997,427-5,997,443); deleting any one gives the same sequence. VCF-style (leftmost placement, unchanged base first): chr7-5997426-GA-G. GRCh37 (hg19) VCF-style: chr7-6037057-GA-G.
Other names: p.?; c.706-5delT (NM_000535.6, NM_000535.5); c.706-4delT (NM_000535.6, NM_000535.5); c.388-4del (NM_001322008.2, NM_001322007.2); c.301-4del (NM_001322010.2, NM_001322004.2, NM_001322003.2 and 2 more transcripts); c.133-4del (NM_001322013.2); c.-228-4del (NM_001322012.2, NM_001322011.2); c.397-4del (NM_001322015.2); and 1 more.
Identifiers: ClinVar variation 218461 (VCV000218461.40), dbSNP rs60794673, ClinGen allele CA277892.

ClinVar aggregate classification (germline): Benign/Likely benign. Review status: criteria provided, multiple submitters, no conflicts (2 of 4 stars). 22 submissions from 21 submitters: Benign (13); Likely benign (2). 7 of the submissions do not count toward it. Last evaluated 2026-02-02.

Conditions:
Hereditary nonpolyposis colorectal neoplasms. Identifiers: MedGen C0009405, MeSH D003123.
Breast and/or ovarian cancer. Identifiers: MedGen CN221562.
Hereditary cancer-predisposing syndrome. Also called: Hereditary Cancer Syndrome; Tumor predisposition; Neoplastic Syndromes, Hereditary; Hereditary neoplastic syndrome. Identifiers: Orphanet 140162, MedGen C0027672, MeSH D009386, MONDO:0015356.
Lynch syndrome. Identifiers: Orphanet 144, MedGen C4552100, MONDO:0005835. Disease mechanism: loss of function.
Ovarian neoplasm. Also called: Neoplasm of ovary; Ovarian Neoplasms; Ovarian tumor. Identifiers: MedGen C0919267, MeSH D010051, MONDO:0021068, HP:0100615.
Lynch syndrome 4 (LYNCH4). Also called: Colorectal cancer, hereditary nonpolyposis, type 4; Hereditary non-polyposis colorectal cancer, type 4. Identifiers: Orphanet 144, MedGen C1838333, MONDO:0013699, OMIM 614337. Disease mechanism: loss of function.

Submissions (22):

Labcorp Genetics (formerly Invitae), Labcorp
Classification: Benign for Hereditary nonpolyposis colorectal neoplasms. Last evaluated: 2026-02-02. Review status: criteria provided, single submitter. Criteria: Invitae Variant Classification Sherloc (09022015). Collection method: clinical testing. Allele origin: germline.

Center for Genomic Medicine, Rigshospitalet, Copenhagen University Hospital
Classification: Likely benign. Last evaluated: 2025-03-04. Review status: criteria provided, single submitter. Criteria: ACMG Guidelines, 2015. Collection method: clinical testing. Allele origin: germline.

Laboratory of Genetics, Children's Clinical University Hospital Latvia
Classification: Benign. Last evaluated: 2025-02-16. Review status: criteria provided, single submitter. Criteria: ACMG Guidelines, 2015. Collection method: clinical testing. Allele origin: germline. Affected: yes.

Blueprint Genetics
Classification: Likely benign. Last evaluated: 2024-11-27. Review status: criteria provided, single submitter. Criteria: ACMG Guidelines, 2015. Collection method: clinical testing. Allele origin: germline.

Quest Diagnostics Nichols Institute San Juan Capistrano
Classification: Benign. Last evaluated: 2022-09-23. Review status: criteria provided, single submitter. Criteria: Quest Diagnostics criteria. Collection method: clinical testing. Allele origin: unknown.

Mayo Clinic Laboratories, Mayo Clinic
Classification: Benign. Last evaluated: 2021-12-17. Review status: criteria provided, single submitter. Criteria: ACMG Guidelines, 2015. Collection method: clinical testing. Allele origin: germline. Observed: 1,408 variant alleles.
Comment: BA1

Color Diagnostics, LLC DBA Color Health
Classification: Benign for Hereditary cancer-predisposing syndrome. Last evaluated: 2021-10-06. Review status: criteria provided, single submitter. Criteria: ACMG Guidelines, 2015. Collection method: clinical testing. Allele origin: germline.

Mendelics
Classification: Benign for Lynch syndrome 4. Last evaluated: 2019-05-28. Review status: criteria provided, single submitter. Criteria: Mendelics Assertion Criteria 2017. Collection method: clinical testing. Allele origin: unknown.

CHEO Genetics Diagnostic Laboratory, Children's Hospital of Eastern Ontario
Classification: Benign for Breast and/or ovarian cancer. Last evaluated: 2019-05-02. Review status: criteria provided, single submitter. Criteria: ACMG Guidelines, 2015. Collection method: clinical testing. Allele origin: germline.

Institute of Human Genetics, University of Leipzig Medical Center
Classification: Benign for Ovarian neoplasm. Last evaluated: 2019-01-01. Review status: criteria provided, single submitter. Criteria: ACMG Guidelines, 2015. Collection method: clinical testing. Allele origin: unknown. Affected: yes.

GeneDx
Classification: Benign. Last evaluated: 2017-12-15. Review status: criteria provided, single submitter. Criteria: GeneDx Variant Classification Process June 2021. Collection method: clinical testing. Allele origin: germline. Affected: yes.

Clinical Genetics DNA and cytogenetics Diagnostics Lab, Erasmus MC, Erasmus Medical Center
Classification: Benign for Lynch syndrome 4. Last evaluated: 2017-06-28. Review status: criteria provided, single submitter. Criteria: ACGS Guidelines, 2013. Collection method: clinical testing. Allele origin: germline. Affected: yes. Study: VKGL Data-share Consensus.

Ambry Genetics
Classification: Benign for Hereditary cancer-predisposing syndrome. Last evaluated: 2017-05-18. Review status: criteria provided, single submitter. Criteria: Ambry Autosomal Dominant and X-Linked criteria (3/2017). Collection method: clinical testing. Allele origin: germline. Observed: 1 variant allele.
Comment: General population or subpopulation frequency is too high to be a pathogenic mutation based on disease/syndrome prevalence and penetrance

Laboratory for Molecular Medicine, Mass General Brigham Personalized Medicine
Classification: Benign. Last evaluated: 2016-03-28. Review status: criteria provided, single submitter. Criteria: LMM Criteria. Collection method: clinical testing. Allele origin: germline.
Comment: Variant identified in a genome or exome case(s) and assessed due to predicted null impact of the variant or pathogenic assertions in the literature or databases. Disclaimer: This variant has not undergone full assessment. The following are preliminary notes: Frequency

Genomic Diagnostic Laboratory, Division of Genomic Diagnostics, Children's Hospital of Philadelphia
Classification: Benign for Lynch syndrome. Last evaluated: 2015-07-10. Review status: criteria provided, single submitter. Criteria: DGD Variant Analysis Guidelines. Collection method: clinical testing. Allele origin: unknown.

Knight Diagnostic Laboratories, Oregon Health and Sciences University
Classification: Uncertain significance for Lynch syndrome 4. Last evaluated: 2015-10-23. Review status: no assertion criteria provided. Criteria: ACMG Guidelines, 2015. Collection method: clinical testing. Allele origin: germline. Affected: no. Study: CSER-NextGen. Not counted in ClinVar's aggregate classification.

Genome Diagnostics Laboratory, Amsterdam University Medical Center
Classification: Likely benign for Lynch syndrome 4. Last evaluated: 2015-04-22. Review status: no assertion criteria provided. Criteria: ACGS Guidelines, 2013. Collection method: clinical testing. Allele origin: germline. Affected: yes. Study: VKGL Data-share Consensus. Not counted in ClinVar's aggregate classification.

Clinical Genetics Laboratory, Department of Pathology, Netherlands Cancer Institute
Classification: Benign. Review status: no assertion criteria provided. Collection method: clinical testing. Allele origin: germline. Affected: yes. Study: VKGL Data-share Consensus. Not counted in ClinVar's aggregate classification.

Department of Pathology and Laboratory Medicine, Sinai Health System
Classification: Benign. Review status: no assertion criteria provided. Collection method: clinical testing. Allele origin: unknown. Affected: yes. Study: The Canadian Open Genetics Repository (COGR). Not counted in ClinVar's aggregate classification.
Comment: GnomAD population frequency 44%

Diagnostic Laboratory, Department of Genetics, University Medical Center Groningen
Classification: Benign for Lynch syndrome 4. Review status: no assertion criteria provided. Collection method: clinical testing. Allele origin: germline. Affected: yes. Study: VKGL Data-share Consensus. Not counted in ClinVar's aggregate classification.

Laboratory of Diagnostic Genome Analysis, Leiden University Medical Center (LUMC)
Classification: Benign. Review status: no assertion criteria provided. Collection method: clinical testing. Allele origin: germline. Affected: yes. Study: VKGL Data-share Consensus. Not counted in ClinVar's aggregate classification.

Genomic Diagnostic Laboratory, Division of Genomic Diagnostics, Children's Hospital of Philadelphia
Classification: Benign for Lynch syndrome. Last evaluated: 2015-04-17. Review status: flagged submission. Criteria: DGD Variant Analysis Guidelines. Collection method: clinical testing. Allele origin: unknown. Not counted in ClinVar's aggregate classification.
ClinVar note: Reason: This record appears to be redundant with a more recent record from the same submitter.
ClinVar note: Notes: SCV000257705 appears to be redundant with SCV000257707.